The following is an entry in ClinVar:

NM_031407.7(HUWE1):c.8453C>T (p.Ala2818Val)

Gene: HUWE1 (HECT, UBA and WWE domain containing E3 ubiquitin protein ligase 1; minus strand). Cytogenetic location: Xp11.22.
Variant type: single nucleotide variant.
Coding change: c.8453C>T on transcript NM_031407.7 (MANE Select); coding-DNA position 8453, C replaced by T.
Protein change: p.Ala2818Val; replaces alanine 2818 with valine.
Molecular consequence: missense variant.
Genome position (GRCh38, 1-based): chrX:53,554,674, G>A on the plus strand (C>T on the coding strand, the complement: HUWE1 is on the minus strand). VCF-style: chrX-53554674-G-A. GRCh37 (hg19) VCF-style: chrX-53581635-G-A.
Other names: c.8450C>T, p.Ala2817Val (NM_001441048.1, NM_001441051.1, NM_001441053.1 and 2 more transcripts); c.8453C>T, p.Ala2818Val (NM_001441049.1, NM_001441054.1, NM_001441057.1); c.8474C>T, p.Ala2825Val (NM_001441050.1, NM_001441055.1); c.8051C>T, p.Ala2684Val (NM_001441052.1); short protein forms A2684V, A2817V, A2818V, A2825V.
Identifiers: ClinVar variation 5037446 (VCV005037446.1).

ClinVar aggregate classification (germline): Uncertain significance (1 of 4 stars; one submission).

gnomAD v4.1: 1 of 1,211,077 alleles (0.000083%); no homozygotes.

Submission:

GeneDx
Classification: Uncertain significance. Last evaluated: 2026-04-23. Review status: criteria provided, single submitter. Criteria: GeneDx Variant Classification Process June 2021. Collection method: clinical testing. Allele origin: germline.
Comment: Not observed at significant frequency in large population cohorts (gnomAD); In silico analysis suggests that this missense variant does not alter protein structure/function; Has not been previously published as pathogenic or benign to our knowledge